The following is an entry in ClinVar:

NM_000824.5(GLRB):c.719A>G (p.Tyr240Cys)

Gene: GLRB (glycine receptor beta; plus strand). Cytogenetic location: 4q32.1.
Variant type: single nucleotide variant.
Coding change: c.719A>G on transcript NM_000824.5 (MANE Select); coding-DNA position 719, A replaced by G.
Protein change: p.Tyr240Cys; replaces tyrosine 240 with cysteine.
Molecular consequence: missense variant.
Genome position (GRCh38, 1-based): chr4:157,138,917, A>G. VCF-style: chr4-157138917-A-G. GRCh37 (hg19) VCF-style: chr4-158060069-A-G.
Other names: c.719A>G, p.Tyr240Cys (NM_001166060.2, NM_001166061.2); short protein forms Y240C.
Identifiers: ClinVar variation 1352860 (VCV001352860.8), dbSNP rs2126572276, ClinGen allele CA358643722.

ClinVar aggregate classification (germline): Uncertain significance (1 of 4 stars; one submission).

Conditions:
Hyperekplexia 2 (HKPX2). Identifiers: Orphanet 3197, MedGen C3553291, MONDO:0013828, OMIM 614619.

Submission:

Labcorp Genetics (formerly Invitae), Labcorp
Classification: Uncertain significance for Hyperekplexia 2. Last evaluated: 2025-03-10. Review status: criteria provided, single submitter. Criteria: Invitae Variant Classification Sherloc (09022015). Collection method: clinical testing. Allele origin: germline.
Comment: This sequence change replaces tyrosine, which is neutral and polar, with cysteine, which is neutral and slightly polar, at codon 240 of the GLRB protein (p.Tyr240Cys). This variant is not present in population databases (gnomAD no frequency). This variant has not been reported in the literature in individuals affected with GLRB-related conditions. ClinVar contains an entry for this variant (Variation ID: 1352860). Invitae Evidence Modeling of protein sequence and biophysical properties (such as structural, functional, and spatial information, amino acid conservation, physicochemical variation, residue mobility, and thermodynamic stability) indicates that this missense variant is not expected to disrupt GLRB protein function with a negative predictive value of 80%. In summary, the available evidence is currently insufficient to determine the role of this variant in disease. Therefore, it has been classified as a Variant of Uncertain Significance.